The following is an entry in ClinVar:

ClinVar aggregate classification (germline): Uncertain significance. Review status: criteria provided, multiple submitters, no conflicts (2 of 4 stars). 2 submissions from 2 submitters: Uncertain significance (2). Last evaluated 2026-04-01.

Conditions:
Primary ciliary dyskinesia. Also called: Ciliary dyskinesia. Identifiers: Orphanet 244, MedGen C0008780, MONDO:0016575, HP:0012265.

gnomAD v4.1: 6 of 1,611,576 alleles (0.00037%); highest among the groups gnomAD compares: Middle Eastern, 0.017%; 1 homozygote.

Submissions (2):

Department of Human Genetics, Hannover Medical School
Classification: Uncertain significance for Primary Ciliary Dyskinesia. Last evaluated: 2026-04-01. Review status: criteria provided, single submitter. Criteria: ACMG Guidelines, 2015. Collection method: research. Allele origin: germline. Affected: no.
Comment: Classification performed by HerediClassify using the following criteria:['PM2_supporting: Variant occures does not occur as homozygous in gnomAD.', 'PP3_protein_moderate: Variant is predicted to be pathogenic by REVEL with evidence strength moderate meeting a threshold of 0.773 (value: 0.82).', "PP4_moderate: The PICADAR socre of 7.0 exceeds threshold of 6 achieving 'moderate' evidence strength."]

CeGaT Center for Human Genetics Tuebingen
Classification: Uncertain significance. Last evaluated: 2024-07-01. Review status: criteria provided, single submitter. Criteria: CeGaT Center For Human Genetics Tuebingen Variant Classification Criteria Version 2. Collection method: clinical testing. Allele origin: germline. Affected: yes. Observed: 1 variant allele.
Comment: CFAP206: PM2, PP3

NM_001031743.3(CFAP206):c.1660A>G (p.Thr554Ala)

Gene: CFAP206 (cilia and flagella associated protein 206; plus strand). Cytogenetic location: 6q15.
Variant type: single nucleotide variant.
Coding change: c.1660A>G on transcript NM_001031743.3 (MANE Select); coding-DNA position 1660, A replaced by G.
Protein change: p.Thr554Ala; replaces threonine 554 with alanine.
Molecular consequence: missense variant.
Genome position (GRCh38, 1-based): chr6:87,464,041, A>G. VCF-style: chr6-87464041-A-G. GRCh37 (hg19) VCF-style: chr6-88173759-A-G.
Other names: short protein forms T554A.
Identifiers: ClinVar variation 3341629 (VCV003341629.17).